The following is an entry in ClinVar:

NM_000540.3(RYR1):c.1561C>G (p.Leu521Val)

Genes: RYR1 (ryanodine receptor 1; plus strand), LOC129391106 (MPRA-validated peak3472 silencer; plus strand). Cytogenetic location: 19q13.2.
Variant type: single nucleotide variant.
Coding change: c.1561C>G on transcript NM_000540.3 (MANE Select); coding-DNA position 1561, C replaced by G.
Protein change: p.Leu521Val; replaces leucine 521 with valine.
Molecular consequence: missense variant.
Genome position (GRCh38, 1-based): chr19:38,455,355, C>G. VCF-style: chr19-38455355-C-G. GRCh37 (hg19) VCF-style: chr19-38945995-C-G.
Other names: c.1561C>G, p.Leu521Val (NM_001042723.2); short protein forms L521V.
Identifiers: ClinVar variation 3251081 (VCV003251081.18), dbSNP rs750009277.

ClinVar aggregate classification (germline): Uncertain significance (1 of 4 stars; one submission).

gnomAD v4.1: 3 of 1,614,018 alleles (0.00019%); highest among the groups gnomAD compares: South Asian, 0.0033%; no homozygotes.

Submission:

CeGaT Center for Human Genetics Tuebingen
Classification: Uncertain significance. Last evaluated: 2024-06-01. Review status: criteria provided, single submitter. Criteria: CeGaT Center For Human Genetics Tuebingen Variant Classification Criteria Version 2. Collection method: clinical testing. Allele origin: germline. Affected: yes. Observed: 1 variant allele.
Comment: RYR1: PM2